The following is an entry in ClinVar:

ClinVar aggregate classification (germline): Uncertain significance (1 of 4 stars; one submission).

Conditions:
Myasthenic syndrome, congenital, 22 (CMS22). Also called: PREPL DEFICIENCY. Identifiers: MedGen C4479088, MONDO:0044299, OMIM 616224.

Submission:

Labcorp Genetics (formerly Invitae), Labcorp
Classification: Uncertain significance for Myasthenic syndrome, congenital, 22. Last evaluated: 2022-06-13. Review status: criteria provided, single submitter. Criteria: Invitae Variant Classification Sherloc (09022015). Collection method: clinical testing. Allele origin: germline.
Comment: This variant is not present in population databases (gnomAD no frequency). In summary, the available evidence is currently insufficient to determine the role of this variant in disease. Therefore, it has been classified as a Variant of Uncertain Significance. Algorithms developed to predict the effect of missense changes on protein structure and function are either unavailable or do not agree on the potential impact of this missense change (SIFT: "Deleterious"; PolyPhen-2: "Probably Damaging"; Align-GVGD: "Class C0"). This variant has not been reported in the literature in individuals affected with PREPL-related conditions. This sequence change replaces threonine, which is neutral and polar, with isoleucine, which is neutral and non-polar, at codon 259 of the PREPL protein (p.Thr259Ile).

NM_001171613.2(PREPL):c.509C>T (p.Thr170Ile)

Gene: PREPL (prolyl endopeptidase like; minus strand). Cytogenetic location: 2p21.
Variant type: single nucleotide variant.
Coding change: c.509C>T on transcript NM_001171613.2 (MANE Select); coding-DNA position 509, C replaced by T.
Protein change: p.Thr170Ile; replaces threonine 170 with isoleucine.
Molecular consequence: missense variant.
Genome position (GRCh38, 1-based): chr2:44,339,340, G>A on the plus strand (C>T on the coding strand, the complement: PREPL is on the minus strand). VCF-style: chr2-44339340-G-A. GRCh37 (hg19) VCF-style: chr2-44566479-G-A.
Other names: c.776C>T, p.Thr259Ile (NM_001042385.2, NM_001042386.2, NM_001171603.1 and 4 more transcripts); c.509C>T, p.Thr170Ile (NM_001171617.1, NM_001374277.1); short protein forms T170I, T259I.
Identifiers: ClinVar variation 1418085 (VCV001418085.8), dbSNP rs1674971927, ClinGen allele CA346692395.